The following is an entry in ClinVar:

ClinVar aggregate classification (germline): Likely benign. Review status: criteria provided, multiple submitters, no conflicts (2 of 4 stars). 2 submissions from 2 submitters: Likely benign (2). Last evaluated 2026-07-20.

Conditions:
KAT6A-related disorder. Also called: KAT6A-related condition.

gnomAD v4.1: 266 of 1,614,158 alleles (0.016%); highest among the groups gnomAD compares: Middle Eastern, 0.049%; no homozygotes.

Submissions (2):

PreventionGenetics, part of Exact Sciences
Classification: Likely benign for KAT6A-related condition. Last evaluated: 2026-07-20. Review status: criteria provided, single submitter. Criteria: ACMG Guidelines, 2015. Collection method: clinical testing. Allele origin: germline.
Comment: This variant is classified as likely benign based on ACMG/AMP sequence variant interpretation guidelines (Richards et al. 2015 PMID: 25741868, with internal and published modifications).

Blueprint Genetics
Classification: Likely benign. Last evaluated: 2024-01-23. Review status: criteria provided, single submitter. Criteria: ACMG Guidelines, 2015. Collection method: clinical testing. Allele origin: germline.

NM_006766.5(KAT6A):c.1139A>C (p.Glu380Ala)

Gene: KAT6A (lysine acetyltransferase 6A; minus strand). Cytogenetic location: 8p11.21.
Variant type: single nucleotide variant.
Coding change: c.1139A>C on transcript NM_006766.5 (MANE Select); coding-DNA position 1139, A replaced by C.
Protein change: p.Glu380Ala; replaces glutamic acid 380 with alanine.
Molecular consequence: missense variant.
Genome position (GRCh38, 1-based): chr8:41,977,232, T>G on the plus strand (A>C on the coding strand, the complement: KAT6A is on the minus strand). VCF-style: chr8-41977232-T-G. GRCh37 (hg19) VCF-style: chr8-41834750-T-G.
Other names: c.1139A>C (NM_006766.4); c.1139A>C, p.Glu380Ala (NM_001305878.2); short protein forms E380A.
Identifiers: ClinVar variation 4900119 (VCV004900119.2), dbSNP rs200237835.
Genomic context (GRCh38, chr8:41,977,232, plus strand): 5'-AAGGAGACATTGCTATCTCTGCAGAAGTCCAAGCCATCTATCCGCTCTAAATATCCTTCT[T>G]CTGATGATGATGATGCTGATTGGCTGGAAAGAGTGATTTTTCGTTTCCTACCCCTTCCAG-3'
Protein context (NP_006757.2, residues 370-390): LSSQSASSSS[Glu380Ala]EGYLERIDGL